The following is an entry in ClinVar:

NM_032608.7(MYO18B):c.5794G>A (p.Glu1932Lys)

Gene: MYO18B (myosin XVIIIB; plus strand). Cytogenetic location: 22q12.1.
Variant type: single nucleotide variant.
Coding change: c.5794G>A on transcript NM_032608.7 (MANE Select); coding-DNA position 5794, G replaced by A.
Protein change: p.Glu1932Lys; replaces glutamic acid 1932 with lysine.
Molecular consequence: missense variant.
Genome position (GRCh38, 1-based): chr22:25,950,412, G>A. VCF-style: chr22-25950412-G-A. GRCh37 (hg19) VCF-style: chr22-26346378-G-A.
Other names: c.5797G>A, p.Glu1933Lys (NM_001318245.2); short protein forms E1932K, E1933K.
Identifiers: ClinVar variation 1366845 (VCV001366845.5), dbSNP rs1289869287, ClinGen allele CA411008449.

ClinVar aggregate classification (germline): Uncertain significance (1 of 4 stars; one submission).

Allele frequency attached by ClinVar (database versions not stated): gnomAD exomes below 0.00001.
gnomAD v4.1: 2 of 1,608,516 alleles (0.00012%); highest among the groups gnomAD compares: Admixed American, 0.0017%; no homozygotes.

Submission:

Labcorp Genetics (formerly Invitae), Labcorp
Classification: Uncertain significance. Last evaluated: 2022-10-17. Review status: criteria provided, single submitter. Criteria: Invitae Variant Classification Sherloc (09022015). Collection method: clinical testing. Allele origin: germline.
Comment: This sequence change replaces glutamic acid with lysine at codon 1932 of the MYO18B protein (p.Glu1932Lys). The glutamic acid residue is highly conserved and there is a small physicochemical difference between glutamic acid and lysine. The frequency data for this variant in the population databases is considered unreliable, as metrics indicate poor data quality at this position in the gnomAD database. This variant has not been reported in the literature in individuals affected with MYO18B-related conditions. ClinVar contains an entry for this variant (Variation ID: 1366845). Algorithms developed to predict the effect of missense changes on protein structure and function are either unavailable or do not agree on the potential impact of this missense change (SIFT: "Not Available"; PolyPhen-2: "Probably Damaging"; Align-GVGD: "Not Available"). In summary, the available evidence is currently insufficient to determine the role of this variant in disease. Therefore, it has been classified as a Variant of Uncertain Significance.